The following is an entry in ClinVar:

ClinVar aggregate classification (germline): Conflicting classifications of pathogenicity. Review status: criteria provided, conflicting classifications (1 of 4 stars). 2 submissions from 2 submitters: Uncertain significance (1); Likely benign (1). Last evaluated 2025-10-29.

Conditions:
Inborn genetic diseases. Identifiers: MedGen C0950123, MeSH D030342.

gnomAD v4.1: 8 of 1,553,948 alleles (0.00051%); highest among the groups gnomAD compares: Admixed American, 0.0076%; no homozygotes.

Submissions (2):

Ambry Genetics
Classification: Likely benign for Inborn genetic diseases. Last evaluated: 2025-10-29. Review status: criteria provided, single submitter. Criteria: Ambry Variant Classification Scheme 2023. Collection method: clinical testing. Allele origin: germline.

Labcorp Genetics (formerly Invitae), Labcorp
Classification: Uncertain significance. Last evaluated: 2024-03-18. Review status: criteria provided, single submitter. Criteria: Invitae Variant Classification Sherloc (09022015). Collection method: clinical testing. Allele origin: germline.
Comment: This sequence change replaces valine, which is neutral and non-polar, with alanine, which is neutral and non-polar, at codon 206 of the UMOD protein (p.Val206Ala). This variant is present in population databases (no rsID available, gnomAD 0.008%). This variant has not been reported in the literature in individuals affected with UMOD-related conditions. Advanced modeling of protein sequence and biophysical properties (such as structural, functional, and spatial information, amino acid conservation, physicochemical variation, residue mobility, and thermodynamic stability) performed at Invitae indicates that this missense variant is not expected to disrupt UMOD protein function with a negative predictive value of 80%. In summary, the available evidence is currently insufficient to determine the role of this variant in disease. Therefore, it has been classified as a Variant of Uncertain Significance.

NM_003361.4(UMOD):c.617T>C (p.Val206Ala)

Gene: UMOD (uromodulin; minus strand). Cytogenetic location: 16p12.3.
Variant type: single nucleotide variant.
Coding change: c.617T>C on transcript NM_003361.4 (MANE Select); coding-DNA position 617, T replaced by C.
Protein change: p.Val206Ala; replaces valine 206 with alanine.
Molecular consequence: missense variant. On other transcripts: non-coding transcript variant (1).
Genome position (GRCh38, 1-based): chr16:20,348,684, A>G on the plus strand (T>C on the coding strand, the complement: UMOD is on the minus strand). VCF-style: chr16-20348684-A-G. GRCh37 (hg19) VCF-style: chr16-20360006-A-G.
Other names: c.617T>C (NM_003361.2); c.617T>C, p.Val206Ala (NM_001008389.3, NM_001378232.1, NM_001378233.1 and 3 more transcripts); c.716T>C, p.Val239Ala (NM_001278614.2); short protein forms V206A, V239A.
Identifiers: ClinVar variation 3616856 (VCV003616856.3).